The following is an entry in ClinVar:

ClinVar aggregate classification (germline): Uncertain significance (1 of 4 stars; one submission).

Submission:

GeneDx
Classification: Uncertain significance. Last evaluated: 2022-02-04. Review status: criteria provided, single submitter. Criteria: GeneDx Variant Classification Process June 2021. Collection method: clinical testing. Allele origin: germline. Affected: yes.
Comment: Not observed at significant frequency in large population cohorts (gnomAD); In silico analysis supports that this missense variant does not alter protein structure/function; Has not been previously published as pathogenic or benign to our knowledge

NM_021224.6(ZNF462):c.4100A>G (p.Lys1367Arg)

Gene: ZNF462 (zinc finger protein 462; plus strand). Cytogenetic location: 9q31.2.
Variant type: single nucleotide variant.
Coding change: c.4100A>G on transcript NM_021224.6 (MANE Select); coding-DNA position 4100, A replaced by G.
Protein change: p.Lys1367Arg; replaces lysine 1367 with arginine.
Molecular consequence: missense variant. On other transcripts: intron variant (1).
Genome position (GRCh38, 1-based): chr9:106,928,012, A>G. VCF-style: chr9-106928012-A-G. GRCh37 (hg19) VCF-style: chr9-109690293-A-G.
Other names: c.3252+848A>G (NM_001347997.2); short protein forms K1367R.
Identifiers: ClinVar variation 1700418 (VCV001700418.2), dbSNP rs2131495454, ClinGen allele CA374407168.